The following is an entry in ClinVar:

ClinVar aggregate classification (germline): Uncertain significance (1 of 4 stars; one submission).

Allele frequency attached by ClinVar (database versions not stated): gnomAD exomes 0.00001.
gnomAD v4.1: 11 of 1,360,956 alleles (0.00081%); highest among the groups gnomAD compares: Non-Finnish European, 0.0011%; no homozygotes.

Submission:

Labcorp Genetics (formerly Invitae), Labcorp
Classification: Uncertain significance. Last evaluated: 2023-01-06. Review status: criteria provided, single submitter. Criteria: Invitae Variant Classification Sherloc (09022015). Collection method: clinical testing. Allele origin: germline.
Comment: In summary, the available evidence is currently insufficient to determine the role of this variant in disease. Therefore, it has been classified as a Variant of Uncertain Significance. Variants that disrupt the consensus splice site are a relatively common cause of aberrant splicing (PMID: 17576681, 9536098). Algorithms developed to predict the effect of missense changes on protein structure and function are either unavailable or do not agree on the potential impact of this missense change (SIFT: "Tolerated"; PolyPhen-2: "Not Available"; Align-GVGD: "Class C0"). This variant has not been reported in the literature in individuals affected with POLR3F-related conditions. This variant is not present in population databases (gnomAD no frequency). This sequence change replaces glycine, which is neutral and non-polar, with aspartic acid, which is acidic and polar, at codon 42 of the POLR3F protein (p.Gly42Asp). This variant also falls at the last nucleotide of exon 3, which is part of the consensus splice site for this exon.

Literature cited by the submitters: PubMed 17576681; PubMed 9536098.

NM_006466.4(POLR3F):c.248G>A (p.Gly83Asp)

Gene: POLR3F (RNA polymerase III subunit F; plus strand). Cytogenetic location: 20p11.23.
Variant type: single nucleotide variant.
Coding change: c.248G>A on transcript NM_006466.4 (MANE Select); coding-DNA position 248, G replaced by A.
Protein change: p.Gly83Asp; replaces glycine 83 with aspartic acid.
Molecular consequence: missense variant. On other transcripts: non-coding transcript variant (1).
Genome position (GRCh38, 1-based): chr20:18,472,909, G>A. VCF-style: chr20-18472909-G-A. GRCh37 (hg19) VCF-style: chr20-18453553-G-A.
Other names: c.125G>A, p.Gly42Asp (NM_001282526.2); c.248G>A, p.Gly83Asp (NM_001410821.1); short protein forms G83D, G42D.
Identifiers: ClinVar variation 2826555 (VCV002826555.3), dbSNP rs2059761164, ClinGen allele CA408351545.